The following is an entry in ClinVar:

ClinVar aggregate classification (germline): Benign. Review status: criteria provided, multiple submitters, no conflicts (2 of 4 stars). 8 submissions from 8 submitters: Benign (4). 4 of the submissions do not count toward it. Last evaluated 2026-02-04.

Conditions:
Congenital stationary night blindness 1B. Also called: NIGHT BLINDNESS, CONGENITAL STATIONARY, COMPLETE, AUTOSOMAL RECESSIVE; Night blindness, congenital stationary (complete), 1B, autosomal recessive. Identifiers: Orphanet 215, MedGen C1850362, MONDO:0009758, OMIM 257270.

Allele frequency attached by ClinVar (database versions not stated): ESP Exome Variant Server 0.48824; 1000 Genomes Project 30x 0.49235; TOPMed 0.49592; gnomAD 0.49941; ExAC 0.52564; gnomAD exomes 0.52848.
gnomAD v4.1: 870,447 of 1,613,020 alleles (54%); highest among the groups gnomAD compares: Admixed American, 56%; 237,047 homozygotes.

Submissions (8):

Labcorp Genetics (formerly Invitae), Labcorp
Classification: Benign. Last evaluated: 2026-02-04. Review status: criteria provided, single submitter. Criteria: Invitae Variant Classification Sherloc (09022015). Collection method: clinical testing. Allele origin: germline.

Genome-Nilou Lab
Classification: Benign for Congenital stationary night blindness 1B. Last evaluated: 2021-08-10. Review status: criteria provided, single submitter. Criteria: ACMG Guidelines, 2015. Collection method: clinical testing. Allele origin: germline. Affected: no.

GeneDx
Classification: Benign. Last evaluated: 2015-03-03. Review status: criteria provided, single submitter. Criteria: GeneDx Variant Classification Process June 2021. Collection method: clinical testing. Allele origin: germline. Affected: yes.

Eurofins Ntd Llc (ga)
Classification: Benign. Last evaluated: 2014-11-10. Review status: criteria provided, single submitter. Criteria: EGL Classification Definitions 2015. Collection method: clinical testing. Allele origin: germline. Observed: 3 variant alleles, 3 heterozygotes.

Department of Ophthalmology and Visual Sciences Kyoto University
Classification: Likely benign. Review status: no assertion criteria provided. Collection method: not provided. Allele origin: unknown. Not counted in ClinVar's aggregate classification.
ClinVar note: Converted during submission from probable-non-pathogenic to Likely benign.

Diagnostic Laboratory, Department of Genetics, University Medical Center Groningen
Classification: Benign. Review status: no assertion criteria provided. Collection method: clinical testing. Allele origin: germline. Affected: yes. Study: VKGL Data-share Consensus. Not counted in ClinVar's aggregate classification.

Joint Genome Diagnostic Labs from Nijmegen and Maastricht, Radboudumc and MUMC+
Classification: Benign. Review status: no assertion criteria provided. Collection method: clinical testing. Allele origin: germline. Affected: yes. Study: VKGL Data-share Consensus. Not counted in ClinVar's aggregate classification.

Retina International
No classification provided. Review status: no classification provided. Collection method: not provided. Allele origin: not provided. Not counted in ClinVar's aggregate classification.

NM_000843.4(GRM6):c.1227C>T (p.Tyr409=)

Genes: ZNF454 (zinc finger protein 454; plus strand), GRM6 (glutamate metabotropic receptor 6; minus strand). Cytogenetic location: 5q35.3.
Variant type: single nucleotide variant.
Coding change: c.1227C>T on transcript NM_000843.4 (MANE Select); coding-DNA position 1227, C replaced by T.
Protein change: p.Tyr409=; no amino-acid change (tyrosine 409 retained).
Molecular consequence: synonymous variant.
Genome position (GRCh38, 1-based): chr5:178,989,062, G>A on the plus strand (C>T on the coding strand, the complement: GRM6 is on the minus strand). VCF-style: chr5-178989062-G-A. GRCh37 (hg19) VCF-style: chr5-178416063-G-A.
Identifiers: ClinVar variation 99626 (VCV000099626.22), dbSNP rs2645339, ClinGen allele CA203241.